The following is an entry in ClinVar:

NM_006005.3(WFS1):c.61C>A (p.Pro21Thr)

Gene: WFS1 (wolframin ER transmembrane glycoprotein; plus strand). Cytogenetic location: 4p16.1.
Variant type: single nucleotide variant.
Coding change: c.61C>A on transcript NM_006005.3 (MANE Select); coding-DNA position 61, C replaced by A.
Protein change: p.Pro21Thr; replaces proline 21 with threonine.
Molecular consequence: missense variant.
Genome position (GRCh38, 1-based): chr4:6,277,516, C>A. VCF-style: chr4-6277516-C-A. GRCh37 (hg19) VCF-style: chr4-6279243-C-A.
Other names: c.61C>A, p.Pro21Thr (NM_001145853.1); short protein forms P21T.
Identifiers: ClinVar variation 1315875 (VCV001315875.2), dbSNP rs757447631, ClinGen allele CA2838787.
Genomic context (GRCh38, chr4:6,277,516, plus strand): 5'-ATGGACTCCAACACTGCTCCGCTGGGCCCCTCCTGCCCACAGCCCCCGCCAGCACCGCAG[C>A]CCCAGGCGCGTTCCCGACTCAATGCCACAGCCTCGTTGGAGCAGGAGAGGAGCGAAAGGC-3'
Protein context (NP_005996.2, residues 11-31): SCPQPPPAPQ[Pro21Thr]QARSRLNATA

ClinVar aggregate classification (germline): Uncertain significance (1 of 4 stars; one submission).

gnomAD v4.1: 2 of 1,583,238 alleles (0.00013%); highest among the groups gnomAD compares: Middle Eastern, 0.017%; no homozygotes.

Submission:

GeneDx
Classification: Uncertain significance. Last evaluated: 2019-10-24. Review status: criteria provided, single submitter. Criteria: GeneDx Variant Classification Process June 2021. Collection method: clinical testing. Allele origin: germline. Affected: yes.
Comment: Not observed at a significant frequency in large population cohorts (Lek et al., 2016); In silico analysis, which includes protein predictors and evolutionary conservation, supports that this variant does not alter protein structure/function; Has not been previously published as pathogenic or benign to our knowledge